The following is an entry in ClinVar:

ClinVar aggregate classification (germline): Conflicting classifications of pathogenicity. Review status: criteria provided, conflicting classifications (1 of 4 stars). 2 submissions from 2 submitters: Likely pathogenic (1); Uncertain significance (1). Last evaluated 2024-07-29.

Conditions:
Intellectual developmental disorder, autosomal recessive 72. Also called: MENTAL RETARDATION, AUTOSOMAL RECESSIVE 72. Identifiers: MedGen C5231452, MONDO:0032860, OMIM 618665.

Allele frequency attached by ClinVar (database versions not stated): ExAC 0.00001; gnomAD exomes 0.00001; TOPMed 0.00002; gnomAD 0.00004.
gnomAD v4.1: 9 of 1,612,148 alleles (0.00056%); highest among the groups gnomAD compares: African/African-American, 0.0067%; no homozygotes.

Submissions (2):

GeneDx
Classification: Likely pathogenic. Last evaluated: 2024-07-29. Review status: criteria provided, single submitter. Criteria: GeneDx Variant Classification Process June 2021. Collection method: clinical testing. Allele origin: germline. Affected: yes.
Comment: Intronic variant directly or indirectly altering the +5 splice site in a gene for which loss of function is a known mechanism of disease, and splice predictors support a deleterious effect; Has not been previously published as pathogenic or benign to our knowledge

Pittsburgh Clinical Genomics Laboratory, University of Pittsburgh Medical Center
Classification: Uncertain significance for Intellectual developmental disorder, autosomal recessive 72. Last evaluated: 2021-06-29. Review status: criteria provided, single submitter. Criteria: ACMG Guidelines, 2015. Collection method: clinical testing. Allele origin: germline. Inheritance: Autosomal recessive inheritance. Affected: yes.
Comment: This variant has not been reported previously in individuals with METTL5-related disease, to our knowledge. This variant is rare in the gnomAD control population database (5/281784 alleles or 0.002%). Multiple splicing tools predict that this variant will disrupt the normal function of the exon 2 splice donor site; however, this prediction has not been confirmed with in vitro or in vivo functiol assays, to our knowledge. This variant is de novo; it was not detected by NGS in either parent. Without further clinical or functiol information, there is insufficient information to determine if this variant is benign or pathogenic. Thus, we consider it to be a variant of uncertain significance. ACMG Criteria: PM2, PM6, PP3

NM_014168.4(METTL5):c.224+5G>A

Gene: METTL5 (methyltransferase 5, N6-adenosine; minus strand). Cytogenetic location: 2q31.1.
Variant type: single nucleotide variant.
Coding change: c.224+5G>A on transcript NM_014168.4 (MANE Select); 5 bases into the intron after coding-DNA position 224, G replaced by A.
Molecular consequence: intron variant.
Genome position (GRCh38, 1-based): chr2:169,821,938, C>T on the plus strand (G>A on the coding strand, the complement: METTL5 is on the minus strand). VCF-style: chr2-169821938-C-T. GRCh37 (hg19) VCF-style: chr2-170678448-C-T.
Other names: c.224+5G>A (NM_001293187.2, NM_001293186.2).
Identifiers: ClinVar variation 1327662 (VCV001327662.4), dbSNP rs771318766, ClinGen allele CA1959666.